The following is an entry in ClinVar:

NM_004260.4(RECQL4):c.1391-2A>G

Gene: RECQL4 (RecQ like helicase 4; minus strand). Cytogenetic location: 8q24.3.
Variant type: single nucleotide variant.
Coding change: c.1391-2A>G on transcript NM_004260.4 (MANE Select); the canonical splice acceptor site of the intron before coding-DNA position 1391, A replaced by G.
Molecular consequence: splice acceptor variant.
Genome position (GRCh38, 1-based): chr8:144,515,244, T>C on the plus strand (A>G on the coding strand, the complement: RECQL4 is on the minus strand). VCF-style: chr8-144515244-T-C. GRCh37 (hg19) VCF-style: chr8-145740628-T-C.
Other names: c.1262-2A>G (NM_001413025.1); c.1040-2A>G (NM_001413029.1); c.254-2A>G (NM_001413032.1, NM_001413027.1, NM_001413031.1 and 2 more transcripts); c.320-2A>G (NM_001413035.1, NM_001413040.1, NM_001413021.1 and 8 more transcripts); c.1295-2A>G (NM_001413017.1, NM_001413020.1); c.1391-2A>G (NM_001413039.1, NM_001413033.1, NM_001413018.1 and 2 more transcripts); c.-77-2A>G (NM_001413043.1).
Identifiers: ClinVar variation 857592 (VCV000857592.5), dbSNP rs771839491, ClinGen allele CA4948872.
Genomic context (GRCh38, chr8:144,515,244, plus strand): 5'-AGGGCGAAAGGCTTGGTGCCCCAGCTGCTCCAGGGCCTGGAACACCTCAGCCGGCGTCTC[T>C]GCAGACACAGATGTTGATCACCATGACTTGAGTCACCCCAACCCCTCAGTGAAGGCTCTG-3'

ClinVar aggregate classification (germline): Pathogenic (1 of 4 stars; one submission).

Conditions:
Baller-Gerold syndrome (BGS). Also called: CRANIOSYNOSTOSIS WITH RADIAL DEFECTS. Identifiers: Orphanet 1225, MedGen C0265308, MONDO:0009039, OMIM 218600.

Allele frequency attached by ClinVar (database versions not stated): ExAC 0.00002.
gnomAD v4.1: 1 of 1,597,400 alleles (0.000063%); highest among the groups gnomAD compares: Non-Finnish European, 0.000085%; no homozygotes.

Submission:

Labcorp Genetics (formerly Invitae), Labcorp
Classification: Pathogenic for Baller-Gerold syndrome. Last evaluated: 2024-04-29. Review status: criteria provided, single submitter. Criteria: Invitae Variant Classification Sherloc (09022015). Collection method: clinical testing. Allele origin: germline.
Comment: This sequence change affects an acceptor splice site in intron 7 of the RECQL4 gene. It is expected to disrupt RNA splicing. Variants that disrupt the donor or acceptor splice site typically lead to a loss of protein function (PMID: 16199547), and loss-of-function variants in RECQL4 are known to be pathogenic (PMID: 12734318, 12952869). The frequency data for this variant in the population databases is considered unreliable, as metrics indicate poor data quality at this position in the gnomAD database. Disruption of this splice site has been observed in individuals with clinical features of Rothmund–Thomson syndrome (PMID: 10678659, 28039508). ClinVar contains an entry for this variant (Variation ID: 857592). Algorithms developed to predict the effect of sequence changes on RNA splicing suggest that this variant may disrupt the consensus splice site. For these reasons, this variant has been classified as Pathogenic.

Literature cited by the submitters: PubMed 16199547; PubMed 12734318; PubMed 12952869; PubMed 10678659; PubMed 28039508.